The following is an entry in ClinVar:

NM_001267550.2(TTN):c.16581C>T (p.Val5527=)

Gene: TTN (titin; minus strand). Cytogenetic location: 2q31.2.
Variant type: single nucleotide variant.
Coding change: c.16581C>T on transcript NM_001267550.2 (MANE Select); coding-DNA position 16581, C replaced by T.
Protein change: p.Val5527=; no amino-acid change (valine 5527 retained).
Molecular consequence: synonymous variant. On other transcripts: intron variant (3).
Genome position (GRCh38, 1-based): chr2:178,732,480, G>A on the plus strand (C>T on the coding strand, the complement: TTN is on the minus strand). VCF-style: chr2-178732480-G-A. GRCh37 (hg19) VCF-style: chr2-179597207-G-A.
Other names: c.15630C>T, p.Val5210= (NM_001256850.1); c.12849C>T, p.Val4283= (NM_133378.4); c.13282+5602C>T (NM_003319.4); c.13858+5602C>T (NM_133437.4); c.13657+5602C>T (NM_133432.3).
Identifiers: ClinVar variation 378805 (VCV000378805.62), dbSNP rs373179717, ClinGen allele CA2002014.
Genomic context (GRCh38, chr2:178,732,480, plus strand): 5'-GTCAAGAAAACAATGCAAACCTTTTACAAACAAGTTTGCACTGCATTCCACCCCTCCAGC[G>A]ACATTGCTGACTTTACATGTGTACGTGCCCGAATCAGAGGTTTTTACTAAATAGAGTTCC-3'
Protein context (NP_001254479.2, residues 5517-5537): SGTYTCKVSN[Val5527=]AGGVECSANL

ClinVar aggregate classification (germline): Conflicting classifications of pathogenicity. Review status: criteria provided, conflicting classifications (1 of 4 stars). 9 submissions from 9 submitters: Uncertain significance (1); Likely benign (8). Last evaluated 2026-08-01.

Conditions:
TTN-related disorder. Also called: TTN-related condition; TTN-related disease; TTN-related disorders.
Autosomal recessive limb-girdle muscular dystrophy type 2J (LGMDR10). Also called: Limb-girdle muscular dystrophy, type 2J; MUSCULAR DYSTROPHY, LIMB-GIRDLE, AUTOSOMAL RECESSIVE 10. Identifiers: Orphanet 140922, MedGen C1837342, MONDO:0012127, OMIM 608807.
Dilated cardiomyopathy 1G (CMD1G). Identifiers: Orphanet 154, MedGen C1858763, MONDO:0011400, OMIM 604145.

Allele frequency attached by ClinVar (database versions not stated): gnomAD 0.00007 and 0.00009; ESP Exome Variant Server 0.00008; ExAC 0.00011; gnomAD exomes 0.00013; TOPMed 0.00014.
gnomAD v4.1: 133 of 1,612,570 alleles (0.0082%); highest among the groups gnomAD compares: Middle Eastern, 0.016%; no homozygotes.

Submissions (9):

CeGaT Center for Human Genetics Tuebingen
Classification: Likely benign. Last evaluated: 2026-08-01. Review status: criteria provided, single submitter. Criteria: CeGaT Center For Human Genetics Tuebingen Variant Classification Criteria Version 2. Collection method: clinical testing. Allele origin: germline. Affected: yes. Observed: 3 variant alleles.
Comment: TTN: BP4, BP7

PreventionGenetics, part of Exact Sciences
Classification: Likely benign for TTN-related condition. Last evaluated: 2026-07-14. Review status: criteria provided, single submitter. Criteria: ACMG Guidelines, 2015. Collection method: clinical testing. Allele origin: germline.
Comment: This variant is classified as likely benign based on ACMG/AMP sequence variant interpretation guidelines (Richards et al. 2015 PMID: 25741868, with internal and published modifications).

Labcorp Genetics (formerly Invitae), Labcorp
Classification: Likely benign for Dilated cardiomyopathy 1G; Autosomal recessive limb-girdle muscular dystrophy type 2J. Last evaluated: 2026-01-19. Review status: criteria provided, single submitter. Criteria: Invitae Variant Classification Sherloc (09022015). Collection method: clinical testing. Allele origin: germline.

Molecular Diagnostic Laboratory for Inherited Cardiovascular Disease, Montreal Heart Institute
Classification: Likely benign. Last evaluated: 2025-04-09. Review status: criteria provided, single submitter. Criteria: ACMG Guidelines, 2015. Collection method: clinical testing. Allele origin: germline. Affected: no.

Women's Health and Genetics/Laboratory Corporation of America, LabCorp
Classification: Likely benign. Last evaluated: 2024-11-29. Review status: criteria provided, single submitter. Criteria: LabCorp Variant Classification Summary - May 2015. Collection method: clinical testing. Allele origin: germline.

Blueprint Genetics
Classification: Likely benign. Last evaluated: 2023-08-17. Review status: criteria provided, single submitter. Criteria: ACMG Guidelines, 2015. Collection method: clinical testing. Allele origin: germline.

GeneDx
Classification: Likely benign. Last evaluated: 2020-06-12. Review status: criteria provided, single submitter. Criteria: GeneDx Variant Classification Process June 2021. Collection method: clinical testing. Allele origin: germline. Affected: yes.

Genetic Services Laboratory, University of Chicago
Classification: Likely benign. Last evaluated: 2018-05-18. Review status: criteria provided, single submitter. Criteria: ACMG Guidelines, 2015. Collection method: clinical testing. Allele origin: germline. Affected: no.

Eurofins Ntd Llc (ga)
Classification: Uncertain significance. Last evaluated: 2017-07-12. Review status: criteria provided, single submitter. Criteria: EGL Classification Definitions 2015. Collection method: clinical testing. Allele origin: germline. Observed: 5 variant alleles, 5 heterozygotes.